The following is an entry in ClinVar:

ClinVar aggregate classification (germline): Uncertain significance (1 of 4 stars; one submission).

Conditions:
Inborn genetic diseases. Identifiers: MedGen C0950123, MeSH D030342.

Submission:

Ambry Genetics
Classification: Uncertain significance for Inborn genetic diseases. Last evaluated: 2022-02-06. Review status: criteria provided, single submitter. Criteria: Ambry Variant Classification Scheme 2023. Collection method: clinical testing. Allele origin: germline.
Comment: The p.R2072S variant (also known as c.6216A>C), located in coding exon 42 of the LRRK2 gene, results from an A to C substitution at nucleotide position 6216. The arginine at codon 2072 is replaced by serine, an amino acid with dissimilar properties. This amino acid position is conserved. In addition, this alteration is predicted to be deleterious by in silico analysis. Since supporting evidence is limited at this time, the clinical significance of this alteration remains unclear.

NM_198578.4(LRRK2):c.6216A>C (p.Arg2072Ser)

Gene: LRRK2 (leucine rich repeat kinase 2; plus strand). Cytogenetic location: 12q12.
Variant type: single nucleotide variant.
Coding change: c.6216A>C on transcript NM_198578.4 (MANE Select); coding-DNA position 6216, A replaced by C.
Protein change: p.Arg2072Ser; replaces arginine 2072 with serine.
Molecular consequence: missense variant.
Genome position (GRCh38, 1-based): chr12:40,346,859, A>C. VCF-style: chr12-40346859-A-C. GRCh37 (hg19) VCF-style: chr12-40740661-A-C.
Other names: short protein forms R2072S.
Identifiers: ClinVar variation 1752236 (VCV001752236.2), dbSNP rs2499967086, ClinGen allele CA384405561.
Genomic context (GRCh38, chr12:40,346,859, plus strand): 5'-ACAGGCTGATGTTTATTCATTTGGTTTACTACTCTATGACATTTTGACAACTGGAGGTAG[A>C]ATAGTAGAGGGTTTGAAGTTTCCAAATGAGTTTGATGAATTAGAAATACAAGGAAAATTA-3'
Protein context (NP_940980.4, residues 2062-2082): LLYDILTTGG[Arg2072Ser]IVEGLKFPNE